The following is an entry in ClinVar:

ClinVar aggregate classification (germline): Uncertain significance (1 of 4 stars; one submission).

Conditions:
PRPH2-related disorder. Also called: PRPH2-related condition; PRPH2-related disorders. Identifiers: MedGen CN239395.

Submission:

Labcorp Genetics (formerly Invitae), Labcorp
Classification: Uncertain significance for PRPH2-related disorder. Last evaluated: 2022-10-04. Review status: criteria provided, single submitter. Criteria: Invitae Variant Classification Sherloc (09022015). Collection method: clinical testing. Allele origin: germline.
Comment: This sequence change falls in intron 2 of the PRPH2 gene. It does not directly change the encoded amino acid sequence of the PRPH2 protein. It affects a nucleotide within the consensus splice site. This variant is not present in population databases (gnomAD no frequency). This variant has been observed in individual(s) with clinical features of PRPH2-related conditions (Invitae). ClinVar contains an entry for this variant (Variation ID: 1381824). Variants that disrupt the consensus splice site are a relatively common cause of aberrant splicing (PMID: 17576681, 9536098). Algorithms developed to predict the effect of sequence changes on RNA splicing suggest that this variant may create or strengthen a splice site. This variant disrupts the c.828+3A nucleotide in the PRPH2 gene. Other variant(s) that disrupt this nucleotide have been determined to be pathogenic (PMID: 11139241, 11704030, 25675413, 26842753). This suggests that this nucleotide is clinically significant, and that variants that disrupt this position are likely to be disease-causing. In summary, the available evidence is currently insufficient to determine the role of this variant in disease. Therefore, it has been classified as a Variant of Uncertain Significance.

Literature cited by the submitters: PubMed 17576681; PubMed 9536098; PubMed 11139241; PubMed 11704030; PubMed 25675413; PubMed 26842753.

NM_000322.5(PRPH2):c.828+3A>G

Gene: PRPH2 (peripherin 2; minus strand). Cytogenetic location: 6p21.1.
Variant type: single nucleotide variant.
Coding change: c.828+3A>G on transcript NM_000322.5 (MANE Select); 3 bases into the intron after coding-DNA position 828, A replaced by G.
Molecular consequence: intron variant.
Genome position (GRCh38, 1-based): chr6:42,704,362, T>C on the plus strand (A>G on the coding strand, the complement: PRPH2 is on the minus strand). VCF-style: chr6-42704362-T-C. GRCh37 (hg19) VCF-style: chr6-42672100-T-C.
Identifiers: ClinVar variation 1381824 (VCV001381824.8), dbSNP rs281865373, ClinGen allele CA2573140846.